The following is an entry in ClinVar:

NM_002439.5(MSH3):c.2515A>G (p.Lys839Glu)

Gene: MSH3 (mutS homolog 3; plus strand). Cytogenetic location: 5q14.1.
Variant type: single nucleotide variant.
Coding change: c.2515A>G on transcript NM_002439.5 (MANE Select); coding-DNA position 2515, A replaced by G.
Protein change: p.Lys839Glu; replaces lysine 839 with glutamic acid.
Molecular consequence: missense variant.
Genome position (GRCh38, 1-based): chr5:80,787,644, A>G. VCF-style: chr5-80787644-A-G. GRCh37 (hg19) VCF-style: chr5-80083463-A-G.
Other names: short protein forms K839E.
Identifiers: ClinVar variation 1792454 (VCV001792454.8), dbSNP rs2546784356, ClinGen allele CA360283363.

ClinVar aggregate classification (germline): Uncertain significance. Review status: criteria provided, multiple submitters, no conflicts (2 of 4 stars). 2 submissions from 2 submitters: Uncertain significance (2). Last evaluated 2025-08-17.

Conditions:
Hereditary cancer-predisposing syndrome. Also called: Hereditary Cancer Syndrome; Hereditary neoplastic syndrome; Tumor predisposition; Neoplastic Syndromes, Hereditary. Identifiers: Orphanet 140162, MedGen C0027672, MeSH D009386, MONDO:0015356.

Submissions (2):

Labcorp Genetics (formerly Invitae), Labcorp
Classification: Uncertain significance. Last evaluated: 2025-08-17. Review status: criteria provided, single submitter. Criteria: Invitae Variant Classification Sherloc (09022015). Collection method: clinical testing. Allele origin: germline.
Comment: This sequence change replaces lysine, which is basic and polar, with glutamic acid, which is acidic and polar, at codon 839 of the MSH3 protein (p.Lys839Glu). This variant is not present in population databases (gnomAD no frequency). This variant has not been reported in the literature in individuals affected with MSH3-related conditions. ClinVar contains an entry for this variant (Variation ID: 1792454). An algorithm developed to predict the effect of missense changes on protein structure and function outputs the following: PolyPhen-2: "Benign". The glutamic acid amino acid residue is found in multiple mammalian species, which suggests that this missense change does not adversely affect protein function. In summary, the available evidence is currently insufficient to determine the role of this variant in disease. Therefore, it has been classified as a Variant of Uncertain Significance.

Ambry Genetics
Classification: Uncertain significance for Hereditary cancer-predisposing syndrome. Last evaluated: 2024-05-27. Review status: criteria provided, single submitter. Criteria: Ambry Variant Classification Scheme 2023. Collection method: clinical testing. Allele origin: germline.
Comment: The p.K839E variant (also known as c.2515A>G), located in coding exon 18 of the MSH3 gene, results from an A to G substitution at nucleotide position 2515. The lysine at codon 839 is replaced by glutamic acid, an amino acid with similar properties. This amino acid position is not well conserved in available vertebrate species. In addition, this alteration is predicted to be tolerated by in silico analysis. Based on the available evidence, the clinical significance of this variant remains unclear.